The following is an entry in ClinVar:

ClinVar aggregate classification (germline): Uncertain significance. Review status: criteria provided, multiple submitters, no conflicts (2 of 4 stars). 2 submissions from 2 submitters: Uncertain significance (2). Last evaluated 2024-03-20.

Conditions:
Hypoparathyroidism, deafness, renal disease syndrome (HDRS). Also called: HYPOPARATHYROIDISM, SENSORINEURAL DEAFNESS, AND RENAL DYSPLASIA SYNDROME. Identifiers: Orphanet 2237, MedGen C1840333, MONDO:0007797, OMIM 146255.

Allele frequency attached by ClinVar (database versions not stated): gnomAD exomes below 0.00001; 1000 Genomes Project 30x 0.00031.
gnomAD v4.1: 5 of 1,613,002 alleles (0.00031%); highest among the groups gnomAD compares: Non-Finnish European, 0.00042%; no homozygotes.

Submissions (2):

Fulgent Genetics
Classification: Uncertain significance for Hypoparathyroidism, deafness, renal disease syndrome. Last evaluated: 2024-03-20. Review status: criteria provided, single submitter. Criteria: ACMG Guidelines, 2015. Collection method: clinical testing. Allele origin: germline.

Center for Human Genetics and Genomic Medicine, Uniklinik Rwth Aachen
Classification: Uncertain significance for Hypoparathyroidism, deafness, renal disease syndrome. Last evaluated: 2021-02-09. Review status: criteria provided, single submitter. Criteria: ACMG Guidelines, 2015. Collection method: clinical testing. Allele origin: unknown. Inheritance: Autosomal dominant inheritance. Affected: yes. Observed: 1 variant allele, 1 heterozygote.
Comment: The detected change has not yet been reported in the relevant databases (dbSNP151, gnomAD, ClinVar) or the literature. In bioinformatics, the change is classified as "probably disease causing" (CADDphred 24.9, MutationTaster). The variant is currently classified as a "variant of uncertain clinical significance" (ACMG criteria).

NM_001002295.2(GATA3):c.257G>A (p.Arg86His)

Gene: GATA3 (GATA binding protein 3; plus strand). Cytogenetic location: 10p14.
Variant type: single nucleotide variant.
Coding change: c.257G>A on transcript NM_001002295.2 (MANE Select); coding-DNA position 257, G replaced by A.
Protein change: p.Arg86His; replaces arginine 86 with histidine.
Molecular consequence: missense variant.
Genome position (GRCh38, 1-based): chr10:8,058,320, G>A. VCF-style: chr10-8058320-G-A. GRCh37 (hg19) VCF-style: chr10-8100283-G-A.
Other names: c.257G>A, p.Arg86His (NM_002051.3); short protein forms R86H.
Identifiers: ClinVar variation 996142 (VCV000996142.4), dbSNP rs1245137314, ClinGen allele CA375966842.